The following is an entry in ClinVar:

ClinVar aggregate classification (germline): Pathogenic/Likely pathogenic. Review status: criteria provided, multiple submitters, no conflicts (2 of 4 stars). 8 submissions from 8 submitters: Pathogenic (6); Likely pathogenic (1). 1 of the submissions does not count toward it. Last evaluated 2025-09-15.

Conditions:
Cardiovascular phenotype. Identifiers: MedGen CN230736.
Dilated cardiomyopathy 1G (CMD1G). Identifiers: Orphanet 154, MedGen C1858763, MONDO:0011400, OMIM 604145.
Tibial muscular dystrophy (TMD). Also called: Udd Distal Myopathy – Tibial Muscular Dystrophy; Tibial muscular dystrophy, tardive; UDD MYOPATHY. Identifiers: Orphanet 609, MedGen C1838244, MONDO:0010870, OMIM 600334.
Myopathy, myofibrillar, 9, with early respiratory failure (MFM9). Also called: Hereditary myopathy with early respiratory failure; EDSTROM MYOPATHY; Myopathy, distal, with early respiratory failure, autosomal dominant; MYOPATHY, PROXIMAL, WITH EARLY RESPIRATORY MUSCLE INVOLVEMENT. Identifiers: Orphanet 178464, Orphanet 34521, MedGen C1863599, MONDO:0011362, OMIM 603689.
Early-onset myopathy with fatal cardiomyopathy (CMYO5). Also called: CONGENITAL MYOPATHY 5 WITH CARDIOMYOPATHY; Salih Myopathy. Identifiers: Orphanet 289377, MedGen C2673677, MONDO:0012714, OMIM 611705. Disease mechanism: loss of function.
Autosomal recessive limb-girdle muscular dystrophy type 2J (LGMDR10). Also called: MUSCULAR DYSTROPHY, LIMB-GIRDLE, AUTOSOMAL RECESSIVE 10; Limb-girdle muscular dystrophy, type 2J. Identifiers: Orphanet 140922, MedGen C1837342, MONDO:0012127, OMIM 608807.
Hypertrophic cardiomyopathy 9. Also called: Familial hypertrophic cardiomyopathy 9. Identifiers: MedGen C1861065, MONDO:0013412, OMIM 613765.
Primary dilated cardiomyopathy (DCM). Also called: Dilated Cardiomyopathy. Identifiers: Orphanet 217604, MedGen C0007193, MeSH D002311, MONDO:0005021, HP:0001644. Inheritance: Various modes of inheritance.

Allele frequency attached by ClinVar (database versions not stated): gnomAD exomes below 0.00001; TOPMed below 0.00001.
gnomAD v4.1: 2 of 1,613,404 alleles (0.00012%); highest among the groups gnomAD compares: Non-Finnish European, 0.00017%; no homozygotes.

Submissions (8):

Labcorp Genetics (formerly Invitae), Labcorp
Classification: Pathogenic for Dilated cardiomyopathy 1G; Autosomal recessive limb-girdle muscular dystrophy type 2J. Last evaluated: 2025-09-15. Review status: criteria provided, single submitter. Criteria: Invitae Variant Classification Sherloc (09022015). Collection method: clinical testing. Allele origin: germline.
Comment: This sequence change creates a premature translational stop signal (p.Arg24780*) in the TTN gene. While this is not anticipated to result in nonsense mediated decay, it is expected to create a truncated TTN protein. This variant is present in population databases (rs794729285, gnomAD 0.0009%). This premature translational stop signal has been observed in individuals with dilated cardiomyopathy (PMID: 25589632; internal data). ClinVar contains an entry for this variant (Variation ID: 202405). This variant is located in the A band of TTN (PMID: 25589632). Truncating variants in this region are significantly overrepresented in patients affected with dilated cardiomyopathy (PMID: 25589632). Truncating variants in this region have also been reported in individuals affected with autosomal recessive centronuclear myopathy (PMID: 23975875). For these reasons, this variant has been classified as Pathogenic.

Ambry Genetics
Classification: Pathogenic for Cardiovascular phenotype. Last evaluated: 2025-01-07. Review status: criteria provided, single submitter. Criteria: Ambry Variant Classification Scheme 2023. Collection method: clinical testing. Allele origin: germline.
Comment: The p.R15715* pathogenic mutation (also known as c.47143C>T), located in coding exon 153 of the TTN gene, results from a C to T substitution at nucleotide position 47143. This changes the amino acid from an arginine to a stop codon within coding exon 153. This exon is located in the A-band region of the N2-B isoform of the titin protein and is constitutively expressed in TTN transcripts (percent spliced in or PSI 100%). This variant (referred to as NM_001267550.1:c.74338C>T, p.Arg24780*) was reported in individual(s) with features consistent with dilated cardiomyopathy (Roberts AM et al. Sci Transl Med. 2015 Jan;7(270):270ra6). This variant is considered to be rare based on population cohorts in the Genome Aggregation Database (gnomAD). This alteration is expected to result in loss of function by premature protein truncation or nonsense-mediated mRNA decay. While truncating variants in TTN are present in 1-3% of the general population, truncating variants in the A-band are the most common cause of dilated cardiomyopathy (DCM) (Herman DS et al. N. Engl. J. Med. 2012 Feb;366:619-28; Roberts AM et al. Sci Transl Med. 2015 Jan;7:270ra6). TTN truncating variants encoded in constitutive exons (PSI >90%) have been found to be significantly associated with DCM regardless of their position in titin (Schafer S et al. Nat. Genet. 2017 Jan;49:46-53). Based on the supporting evidence, this variant is interpreted as a disease-causing mutation.

3billion
Classification: Pathogenic for Early-onset myopathy with fatal cardiomyopathy. Last evaluated: 2023-10-19. Review status: criteria provided, single submitter. Criteria: ACMG Guidelines, 2015. Collection method: clinical testing. Allele origin: germline. Affected: yes.
Comment: The variant is observed at an extremely low frequency in the gnomAD v2.1.1 dataset (total allele frequency: 0.000%). Predicted Consequence/Location: Stop-gained (nonsense): predicted to result in a loss or disruption of normal protein function through nonsense-mediated decay (NMD) or protein truncation. Multiple pathogenic variants are reported downstream of the variant. The variant has been reported at least twice as pathogenic without evidence for the classification (ClinVar ID: VCV000202405). Therefore, this variant is classified as Pathogenic according to the recommendation of ACMG/AMP guideline.

GeneDx
Classification: Pathogenic. Last evaluated: 2023-01-23. Review status: criteria provided, single submitter. Criteria: GeneDx Variant Classification Process June 2021. Collection method: clinical testing. Allele origin: germline. Affected: yes.
Comment: Identified in a patients with DCM in the published literature (Roberts et al., 2015; Stava et al., 2022); Not observed at significant frequency in large population cohorts (gnomAD); Nonsense variant predicted to result in protein truncation or nonsense mediated decay in a gene for which loss of function is a known mechanism of disease; Located in the A-band region of titin, where the majority of truncating pathogenic variants associated with DCM have been reported (Herman et al., 2012).; This variant is associated with the following publications: (PMID: 34135346, 35653365, 22335739, 25589632)

Fulgent Genetics
Classification: Pathogenic for Tibial muscular dystrophy; Myopathy, myofibrillar, 9, with early respiratory failure; Dilated cardiomyopathy 1G; Autosomal recessive limb-girdle muscular dystrophy type 2J; Early-onset myopathy with fatal cardiomyopathy; Hypertrophic cardiomyopathy 9. Last evaluated: 2021-10-02. Review status: criteria provided, single submitter. Criteria: ACMG Guidelines, 2015. Collection method: clinical testing. Allele origin: unknown.

Cardiovascular Biomedical Research Unit, Royal Brompton & Harefield NHS Foundation Trust
Classification: Likely pathogenic for Primary dilated cardiomyopathy. Last evaluated: 2014-10-08. Review status: criteria provided, single submitter. Criteria: Roberts et al. 2015. Collection method: research. Allele origin: germline. Inheritance: Autosomal dominant inheritance. Affected: yes. Observed: 1 variant allele. Study: Endstage DCM.
Comment: In the seven cohorts assessed, TTNtv were found in 14% of ambulant DCM, 22% end-stage or familial DCM, and 2% controls. Heterozygous nonsense, frameshift and canonical splice-disrupting variants found in constitutive and other highly utilised exons are highly likely to be pathogenic when identified in individuals with phenotypically confirmed DCM. TTNtv found incidentally in healthy individuals (excluding familial assessment of DCM relatives) are thought to have low penetrance, particularly when identified in exons that are not constitutively expressed in the heart.

Juno Genomics, Hangzhou Juno Genomics, Inc
Classification: Pathogenic for Dilated cardiomyopathy 1G. Review status: criteria provided, single submitter. Criteria: ACMG Guidelines, 2015. Collection method: clinical testing. Allele origin: germline.
Comment: Absent from controls (or at extremely low frequency if recessive) in Genome Aggregation Database.;Null variant in a gene where loss of function (LOF) is a known mechanism of disease.;The prevalence of the variant in affected individuals is significantly increased compared to the prevalence in controls.

Cardiogenetics and Myogenetics Molecular and Cellular Functional Unit, Aphp Sorbonne University-Hopital Pitie Salpetriere
Classification: Pathogenic for Dilated cardiomyopathy 1G. Last evaluated: 2024-01-06. Review status: no assertion criteria provided. Collection method: clinical testing. Allele origin: germline. Affected: yes. Not counted in ClinVar's aggregate classification.

Literature cited by the submitters: PubMed 25589632 (cited by Labcorp Genetics (formerly Invitae), Labcorp and Ambry Genetics); PubMed 23975875 (cited by Labcorp Genetics (formerly Invitae), Labcorp).

NM_001267550.2(TTN):c.74338C>T (p.Arg24780Ter)

Genes: TTN (titin; minus strand), TTN-AS1 (TTN antisense RNA 1; plus strand). Cytogenetic location: 2q31.2.
Variant type: single nucleotide variant.
Coding change: c.74338C>T on transcript NM_001267550.2 (MANE Select); coding-DNA position 74338, C replaced by T.
Protein change: p.Arg24780Ter; replaces arginine 24780 with a stop codon.
Molecular consequence: nonsense.
Genome position (GRCh38, 1-based): chr2:178,571,794, G>A on the plus strand (C>T on the coding strand, the complement: TTN is on the minus strand). VCF-style: chr2-178571794-G-A. GRCh37 (hg19) VCF-style: chr2-179436521-G-A.
Other names: p.R23139*:CGA>TGA; c.74338C>T (LRG_391t1); c.66634C>T, p.Arg22212Ter (NM_133378.4); c.47518C>T, p.Arg15840Ter (NM_133432.3); c.47719C>T, p.Arg15907Ter (NM_133437.4); c.69415C>T, p.Arg23139Ter (NM_001256850.1); c.47143C>T, p.Arg15715Ter (NM_003319.4); short protein forms R23139*, R24780*, R22212*, R15715*, R15840*, R15907*.
Identifiers: ClinVar variation 202405 (VCV000202405.19), dbSNP rs794729285, ClinGen allele CA309312.